The following is an entry in ClinVar:

NM_001278298.2(COL6A5):c.1030C>G (p.Leu344Val)

Gene: COL6A5 (collagen type VI alpha 5 chain; plus strand). Cytogenetic location: 3q22.1.
Variant type: single nucleotide variant.
Coding change: c.1030C>G on transcript NM_001278298.2 (MANE Select); coding-DNA position 1030, C replaced by G.
Protein change: p.Leu344Val; replaces leucine 344 with valine.
Molecular consequence: missense variant. On other transcripts: non-coding transcript variant (1).
Genome position (GRCh38, 1-based): chr3:130,379,780, C>G. VCF-style: chr3-130379780-C-G. GRCh37 (hg19) VCF-style: chr3-130098623-C-G.
Other names: c.1030C>G, p.Leu344Val (NM_001412157.1, NM_153264.7); short protein forms L344V.
Identifiers: ClinVar variation 2337907 (VCV002337907.26), dbSNP rs140721388, ClinGen allele CA2610787.

ClinVar aggregate classification (germline): Conflicting classifications of pathogenicity. Review status: criteria provided, conflicting classifications (1 of 4 stars). 2 submissions from 2 submitters: Uncertain significance (1); Benign (1). Last evaluated 2026-01-01.

Allele frequency attached by ClinVar (database versions not stated): 1000 Genomes Project 0.00040; 1000 Genomes Project 30x 0.00047; ExAC 0.00106; gnomAD exomes 0.00273.
gnomAD v4.1: 4,090 of 1,551,416 alleles (0.26%); highest among the groups gnomAD compares: Non-Finnish European, 0.33%; 10 homozygotes.

Submissions (2):

CeGaT Center for Human Genetics Tuebingen
Classification: Benign. Last evaluated: 2026-01-01. Review status: criteria provided, single submitter. Criteria: CeGaT Center For Human Genetics Tuebingen Variant Classification Criteria Version 2. Collection method: clinical testing. Allele origin: germline. Affected: yes. Observed: 3 variant alleles.
Comment: COL6A5: BP4, BS1, BS2

Ambry Genetics
Classification: Uncertain significance. Last evaluated: 2021-06-11. Review status: criteria provided, single submitter. Criteria: Ambry Variant Classification Scheme 2023. Collection method: clinical testing. Allele origin: germline.